The following is an entry in ClinVar:

ClinVar aggregate classification (germline): Uncertain significance (1 of 4 stars; one submission).

Allele frequency attached by ClinVar (database versions not stated): TOPMed below 0.00001.
gnomAD v4.1: 1 of 1,611,040 alleles (0.000062%); highest among the groups gnomAD compares: East Asian, 0.0022%; no homozygotes.

Submission:

Labcorp Genetics (formerly Invitae), Labcorp
Classification: Uncertain significance. Last evaluated: 2021-09-08. Review status: criteria provided, single submitter. Criteria: Invitae Variant Classification Sherloc (09022015). Collection method: clinical testing. Allele origin: germline.
Comment: This sequence change replaces threonine with serine at codon 4 of the MCM3AP protein (p.Thr4Ser). The threonine residue is weakly conserved and there is a small physicochemical difference between threonine and serine. In summary, the available evidence is currently insufficient to determine the role of this variant in disease. Therefore, it has been classified as a Variant of Uncertain Significance. Algorithms developed to predict the effect of sequence changes on RNA splicing suggest that this variant may create or strengthen a splice site. Algorithms developed to predict the effect of missense changes on protein structure and function output the following: SIFT: "Tolerated"; PolyPhen-2: "Benign"; Align-GVGD: "Class C0". The serine amino acid residue is found in multiple mammalian species, which suggests that this missense change does not adversely affect protein function. This variant has not been reported in the literature in individuals affected with MCM3AP-related conditions. This variant is not present in population databases (ExAC no frequency).

NM_003906.5(MCM3AP):c.11C>G (p.Thr4Ser)

Gene: MCM3AP (minichromosome maintenance complex component 3 associated protein; minus strand). Cytogenetic location: 21q22.3.
Variant type: single nucleotide variant.
Coding change: c.11C>G on transcript NM_003906.5 (MANE Select); coding-DNA position 11, C replaced by G.
Protein change: p.Thr4Ser; replaces threonine 4 with serine.
Molecular consequence: missense variant.
Genome position (GRCh38, 1-based): chr21:46,285,276, G>C on the plus strand (C>G on the coding strand, the complement: MCM3AP is on the minus strand). VCF-style: chr21-46285276-G-C. GRCh37 (hg19) VCF-style: chr21-47705190-G-C.
Other names: short protein forms T4S.
Identifiers: ClinVar variation 1414733 (VCV001414733.4), dbSNP rs1199664804, ClinGen allele CA410538419.